The following is an entry in ClinVar:

NM_000459.5(TEK):c.3142dup (p.Tyr1048fs)

Gene: TEK (TEK receptor tyrosine kinase; plus strand). Cytogenetic location: 9p21.2.
Variant type: Duplication.
Coding change: c.3142dup on transcript NM_000459.5 (MANE Select); coding-DNA position 3142, one base duplicated (T; older notation c.3142dupT).
Protein change: p.Tyr1048fs; shifts the reading frame from tyrosine 1048.
Molecular consequence: frameshift variant.
Genome position (GRCh38, 1-based): chr9:27,220,087, T duplicated. VCF-style (leftmost placement, unchanged base first): chr9-27220086-C-CT. GRCh37 (hg19) VCF-style: chr9-27220084-C-CT.
Other names: c.3013dup, p.Tyr1005Leufs (NM_001290077.2); c.2698dup, p.Tyr900Leufs (NM_001290078.2); c.3139dup, p.Tyr1047fs (NM_001375475.1); c.3010dup, p.Tyr1004fs (NM_001375476.1); short protein forms Y1004fs, Y1005fs, Y1047fs, Y1048fs, Y900fs.
Identifiers: ClinVar variation 1074588 (VCV001074588.7), dbSNP rs2131246864, ClinGen allele CA2499219832.

ClinVar aggregate classification (germline): Pathogenic (1 of 4 stars; one submission).

Submission:

Labcorp Genetics (formerly Invitae), Labcorp
Classification: Pathogenic. Last evaluated: 2017-09-16. Review status: criteria provided, single submitter. Criteria: Invitae Variant Classification Sherloc (09022015). Collection method: clinical testing. Allele origin: germline.
Comment: For these reasons, this variant has been classified as Pathogenic. Loss-of-function variants in TEK are known to be pathogenic (PMID: 27270174). This variant has not been reported in the literature in individuals with TEK-related disease. This variant is not present in population databases (ExAC no frequency). This sequence change creates a premature translational stop signal (p.Tyr1048Leufs*17) in the TEK gene. It is expected to result in an absent or disrupted protein product.

Literature cited by the submitters: PubMed 27270174.